The following is an entry in ClinVar:

NM_004654.4(USP9Y):c.4877T>C (p.Phe1626Ser)

Gene: USP9Y (ubiquitin specific peptidase 9 Y-linked; plus strand). Cytogenetic location: Yq11.221.
Variant type: single nucleotide variant.
Coding change: c.4877T>C on transcript NM_004654.4 (MANE Select); coding-DNA position 4877, T replaced by C.
Protein change: p.Phe1626Ser; replaces phenylalanine 1626 with serine.
Molecular consequence: missense variant.
Genome position (GRCh38, 1-based): chrY:12,818,466, T>C. VCF-style: chrY-12818466-T-C. GRCh37 (hg19) VCF-style: chrY-14930401-T-C.
Other names: short protein forms F1626S.
Identifiers: ClinVar variation 2499164 (VCV002499164.28), dbSNP rs2521717284, ClinGen allele CA414995882.

ClinVar aggregate classification (germline): Uncertain significance (1 of 4 stars; one submission).

Submission:

CeGaT Center for Human Genetics Tuebingen
Classification: Uncertain significance. Last evaluated: 2023-03-01. Review status: criteria provided, single submitter. Criteria: CeGaT Center For Human Genetics Tuebingen Variant Classification Criteria Version 2. Collection method: clinical testing. Allele origin: germline. Affected: yes. Observed: 1 variant allele.
Comment: USP9Y: PM2